The following is an entry in ClinVar:

NM_001378183.1(PIEZO2):c.4072G>A (p.Asp1358Asn)

Gene: PIEZO2 (piezo type mechanosensitive ion channel component 2; minus strand). Cytogenetic location: 18p11.22.
Variant type: single nucleotide variant.
Coding change: c.4072G>A on transcript NM_001378183.1 (MANE Select); coding-DNA position 4072, G replaced by A.
Protein change: p.Asp1358Asn; replaces aspartic acid 1358 with asparagine.
Molecular consequence: missense variant.
Genome position (GRCh38, 1-based): chr18:10,752,731, C>T on the plus strand (G>A on the coding strand, the complement: PIEZO2 is on the minus strand). VCF-style: chr18-10752731-C-T. GRCh37 (hg19) VCF-style: chr18-10752729-C-T.
Other names: c.4072G>A, p.Asp1358Asn (NM_001410871.1); c.3997G>A, p.Asp1333Asn (NM_022068.4); short protein forms D1333N, D1358N.
Identifiers: ClinVar variation 3376780 (VCV003376780.1).

ClinVar aggregate classification (germline): Uncertain significance (1 of 4 stars; one submission).

Conditions:
Arthrogryposis, distal, with impaired proprioception and touch (DAIPT). Identifiers: MedGen C4310692, MONDO:0014941, OMIM 617146.

gnomAD v4.1: 18 of 1,537,232 alleles (0.0012%); highest among the groups gnomAD compares: Non-Finnish European, 0.0014%; no homozygotes.

Submission:

Victorian Clinical Genetics Services, Murdoch Childrens Research Institute
Classification: Uncertain significance for Arthrogryposis, distal, with impaired proprioception and touch. Last evaluated: 2023-07-16. Review status: criteria provided, single submitter. Criteria: ACMG Guidelines, 2015. Collection method: clinical testing. Allele origin: germline. Inheritance: Autosomal recessive inheritance. Affected: yes.
Comment: Based on the classification scheme VCGS_Germline_v1.3.4, this variant is classified as VUS-3C. Following criteria are met: 0103 - Loss of function and gain of function are known mechanisms of disease in this gene and are associated with arthrogryposis. Loss of function has generally been shown to be caused by NMD variants, whereas gain of function has generally been associated with missense variants clustered in the C-terminal region (PMID: 30988732). (I) 0108 - This gene is associated with both recessive and dominant disease. NMD variants are associated with recessive disease, while missense variants are associated with dominant disease (PMID: 30988732). The phenotypes have been recently regarded as etiologically related (PMID: 24726473). (I) 0200 - Variant is predicted to result in a missense amino acid change from aspartic acid to asparagine. (I) 0251 - This variant is heterozygous. (I) 0301 - Variant is absent from gnomAD (both v2 and v3). (SP) 0504 - Same amino acid change has been observed in placental mammals. (SB) 0604 - Variant is not located in an established domain, motif, hotspot or informative constraint region. (I) 0705 - No comparable missense variants have previous evidence for pathogenicity. (I) 0807 - This variant has no previous evidence of pathogenicity. (I) 0905 - No published segregation evidence has been identified for this variant. (I) 1007 - No published functional evidence has been identified for this variant. (I) 1208 - Inheritance information for this variant is not currently available in this individual. (I) Legend: (SP) - Supporting pathogenic, (I) - Information, (SB) - Supporting benign

Literature cited by the submitters: PubMed 24726473; PubMed 30988732.